The following is an entry in ClinVar:

ClinVar aggregate classification (germline): Uncertain significance (1 of 4 stars; one submission).

Conditions:
Familial thoracic aortic aneurysm and aortic dissection (TAAD). Also called: Thoracic aortic aneurysms and dissections. Identifiers: Orphanet 91387, MedGen C4707243, MONDO:0019625.

Allele frequency attached by ClinVar (database versions not stated): TOPMed below 0.00001.

Submission:

Ambry Genetics
Classification: Uncertain significance for Familial thoracic aortic aneurysm and aortic dissection. Last evaluated: 2015-05-15. Review status: criteria provided, single submitter. Criteria: Ambry Variant Classification Scheme 2023. Collection method: clinical testing. Allele origin: germline.
Comment: The p.Q233L variant (also known as c.698A>T), located in coding exon 4 of the TGFB3 gene, results from an A to T substitution at nucleotide position 698. The glutamine at codon 233 is replaced by leucine, an amino acid with dissimilar properties. This variant was not reported in population based cohorts in the following databases: Database of Single Nucleotide Polymorphisms (dbSNP), NHLBI Exome Sequencing Project (ESP), and 1000 Genomes Project. In the ESP, this variant was not observed in 6,503 samples (13,006 alleles) with coverage at this position. This amino acid position is conserved in available vertebrate species through reptiles. In addition, this alteration is predicted to be tolerated by in silico analysis. Since supporting evidence is limited at this time, the clinical significance of this variant remains unclear.

NM_003239.5(TGFB3):c.698A>T (p.Gln233Leu)

Gene: TGFB3 (transforming growth factor beta 3; minus strand). Cytogenetic location: 14q24.3.
Variant type: single nucleotide variant.
Coding change: c.698A>T on transcript NM_003239.5 (MANE Select); coding-DNA position 698, A replaced by T.
Protein change: p.Gln233Leu; replaces glutamine 233 with leucine.
Molecular consequence: missense variant.
Genome position (GRCh38, 1-based): chr14:75,965,644, T>A on the plus strand (A>T on the coding strand, the complement: TGFB3 is on the minus strand). VCF-style: chr14-75965644-T-A. GRCh37 (hg19) VCF-style: chr14-76431987-T-A.
Other names: c.698A>T, p.Gln233Leu (NM_001329938.2, NM_001329939.2); short protein forms Q233L.
Identifiers: ClinVar variation 263997 (VCV000263997.5), dbSNP rs1349938834, ClinGen allele CA390468927.